The following is an entry in ClinVar:

NM_006466.4(POLR3F):c.873+4A>G

Gene: POLR3F (RNA polymerase III subunit F; plus strand). Cytogenetic location: 20p11.23.
Variant type: single nucleotide variant.
Coding change: c.873+4A>G on transcript NM_006466.4 (MANE Select); 4 bases into the intron after coding-DNA position 873, A replaced by G.
Molecular consequence: intron variant.
Genome position (GRCh38, 1-based): chr20:18,481,814, A>G. VCF-style: chr20-18481814-A-G. GRCh37 (hg19) VCF-style: chr20-18462458-A-G.
Other names: c.750+4A>G (NM_001282526.2); c.729+4A>G (NM_001410821.1).
Identifiers: ClinVar variation 3016059 (VCV003016059.3), dbSNP rs759009622, ClinGen allele CA9777625.
Genomic context (GRCh38, chr20:18,481,814, plus strand): 5'-GTCAATCCAATCATCCCTCCCACAGGTTTGGTCCGGGCACCCTGTGGACTCTGCCCGGTG[A>G]GTTAAAGTGGCTTCACTTTACACTTGACTGCCCACGGGTGCAAGTGCCACATTAAGAAAC-3'

ClinVar aggregate classification (germline): Uncertain significance (1 of 4 stars; one submission).

Allele frequency attached by ClinVar (database versions not stated): gnomAD 0.00001; gnomAD exomes 0.00001; TOPMed 0.00001; ExAC 0.00002.
gnomAD v4.1: 22 of 1,601,070 alleles (0.0014%); highest among the groups gnomAD compares: Non-Finnish European, 0.0017%; no homozygotes.

Submission:

Labcorp Genetics (formerly Invitae), Labcorp
Classification: Uncertain significance. Last evaluated: 2023-08-11. Review status: criteria provided, single submitter. Criteria: Invitae Variant Classification Sherloc (09022015). Collection method: clinical testing. Allele origin: germline.
Comment: In summary, the available evidence is currently insufficient to determine the role of this variant in disease. Therefore, it has been classified as a Variant of Uncertain Significance. Variants that disrupt the consensus splice site are a relatively common cause of aberrant splicing (PMID: 17576681, 9536098). This variant has not been reported in the literature in individuals affected with POLR3F-related conditions. This variant is present in population databases (rs759009622, gnomAD 0.003%). This sequence change falls in intron 8 of the POLR3F gene. It does not directly change the encoded amino acid sequence of the POLR3F protein. It affects a nucleotide within the consensus splice site.

Literature cited by the submitters: PubMed 17576681; PubMed 9536098.